The following is an entry in ClinVar:

ClinVar aggregate classification (germline): Uncertain significance (1 of 4 stars; one submission).

Conditions:
Tatton-Brown-Rahman overgrowth syndrome. Also called: Tall stature-intellectual disability-facial dysmorphism syndrome; Tatton-Brown-Rahman syndrome. Identifiers: Orphanet 404443, MedGen C4014545, MONDO:0014382, OMIM 615879.

gnomAD v4.1: 7 of 1,602,046 alleles (0.00044%); highest among the groups gnomAD compares: Non-Finnish European, 0.0006%; no homozygotes.

Submission:

Labcorp Genetics (formerly Invitae), Labcorp
Classification: Uncertain significance for Tatton-Brown-Rahman overgrowth syndrome. Last evaluated: 2025-01-27. Review status: criteria provided, single submitter. Criteria: Invitae Variant Classification Sherloc (09022015). Collection method: clinical testing. Allele origin: germline.
Comment: This sequence change replaces arginine, which is basic and polar, with serine, which is neutral and polar, at codon 556 of the DNMT3A protein (p.Arg556Ser). This variant is not present in population databases (gnomAD no frequency). This variant has not been reported in the literature in individuals affected with DNMT3A-related conditions. Invitae Evidence Modeling of protein sequence and biophysical properties (such as structural, functional, and spatial information, amino acid conservation, physicochemical variation, residue mobility, and thermodynamic stability) indicates that this missense variant is expected to disrupt DNMT3A protein function with a positive predictive value of 95%. Algorithms developed to predict the effect of sequence changes on RNA splicing suggest that this variant may disrupt the consensus splice site. In summary, the available evidence is currently insufficient to determine the role of this variant in disease. Therefore, it has been classified as a Variant of Uncertain Significance.

NM_022552.5(DNMT3A):c.1668G>T (p.Arg556Ser)

Gene: DNMT3A (DNA methyltransferase 3 alpha; minus strand). Cytogenetic location: 2p23.3.
Variant type: single nucleotide variant.
Coding change: c.1668G>T on transcript NM_022552.5 (MANE Select); coding-DNA position 1668, G replaced by T.
Protein change: p.Arg556Ser; replaces arginine 556 with serine.
Molecular consequence: missense variant. On other transcripts: non-coding transcript variant (1).
Genome position (GRCh38, 1-based): chr2:25,244,338, C>A on the plus strand (G>T on the coding strand, the complement: DNMT3A is on the minus strand). VCF-style: chr2-25244338-C-A. GRCh37 (hg19) VCF-style: chr2-25467207-C-A.
Other names: c.1212G>T, p.Arg404Ser (NM_001320893.1); c.999G>T, p.Arg333Ser (NM_001375819.1); c.1101G>T, p.Arg367Ser (NM_153759.3); c.1668G>T, p.Arg556Ser (NM_175629.2); short protein forms R404S, R556S, R333S, R367S.
Identifiers: ClinVar variation 3680508 (VCV003680508.2).